The following is an entry in ClinVar:

NM_001077350.3(NPRL3):c.1264C>T (p.Arg422Cys)

Genes: HBA-LCR (alpha-globin locus control region; plus strand), NPRL3 (NPR3 like, GATOR1 complex subunit; minus strand). Cytogenetic location: 16p13.3.
Variant type: single nucleotide variant.
Coding change: c.1264C>T on transcript NM_001077350.3 (MANE Select); coding-DNA position 1264, C replaced by T.
Protein change: p.Arg422Cys; replaces arginine 422 with cysteine.
Molecular consequence: missense variant.
Genome position (GRCh38, 1-based): chr16:89,800, G>A on the plus strand (C>T on the coding strand, the complement: NPRL3 is on the minus strand). VCF-style: chr16-89800-G-A. GRCh37 (hg19) VCF-style: chr16-139798-G-A.
Other names: c.727C>T, p.Arg243Cys (NM_001039476.3); c.1030C>T, p.Arg344Cys (NM_001243247.2); c.1189C>T, p.Arg397Cys (NM_001243248.2, NM_001243249.2); short protein forms R243C, R397C, R344C, R422C.
Identifiers: ClinVar variation 842927 (VCV000842927.8), dbSNP rs753763592, ClinGen allele CA7769398.

ClinVar aggregate classification (germline): Uncertain significance (1 of 4 stars; one submission).

Conditions:
Epilepsy, familial focal, with variable foci 3 (FFEVF3). Identifiers: MedGen C4310708, MONDO:0014925, OMIM 617118.

Allele frequency attached by ClinVar (database versions not stated): ExAC 0.00003; gnomAD 0.00003 and 0.00004; TOPMed 0.00004.

Submission:

Labcorp Genetics (formerly Invitae), Labcorp
Classification: Uncertain significance for Epilepsy, familial focal, with variable foci 3. Last evaluated: 2025-09-27. Review status: criteria provided, single submitter. Criteria: Invitae Variant Classification Sherloc (09022015). Collection method: clinical testing. Allele origin: germline.
Comment: This sequence change replaces arginine, which is basic and polar, with cysteine, which is neutral and slightly polar, at codon 422 of the NPRL3 protein (p.Arg422Cys). This variant is present in population databases (rs753763592, gnomAD 0.03%). This variant has not been reported in the literature in individuals affected with NPRL3-related conditions. ClinVar contains an entry for this variant (Variation ID: 842927). Invitae Evidence Modeling of protein sequence and biophysical properties (such as structural, functional, and spatial information, amino acid conservation, physicochemical variation, residue mobility, and thermodynamic stability) indicates that this missense variant is not expected to disrupt NPRL3 protein function with a negative predictive value of 80%. In summary, the available evidence is currently insufficient to determine the role of this variant in disease. Therefore, it has been classified as a Variant of Uncertain Significance.